The following is an entry in ClinVar:

ClinVar aggregate classification (germline): Uncertain significance (1 of 4 stars; one submission).

Conditions:
Leukocyte adhesion deficiency 1 (LAD1). Also called: LEUKOCYTE ADHESION DEFICIENCY, TYPE I; LAD 1; Lymphocyte function-associated antigen 1 immunodeficiency; LFA 1 immunodeficiency. Identifiers: Orphanet 2968, Orphanet 99842, MedGen C0398738, MONDO:0007293, OMIM 116920.

Allele frequency attached by ClinVar (database versions not stated): ExAC 0.00001; gnomAD exomes 0.00001; TOPMed 0.00001; gnomAD 0.00002; ESP Exome Variant Server 0.00008.
gnomAD v4.1: 14 of 1,614,058 alleles (0.00087%); highest among the groups gnomAD compares: Non-Finnish European, 0.0012%; no homozygotes.

Submission:

Labcorp Genetics (formerly Invitae), Labcorp
Classification: Uncertain significance for Leukocyte adhesion deficiency 1. Last evaluated: 2022-05-17. Review status: criteria provided, single submitter. Criteria: Invitae Variant Classification Sherloc (09022015). Collection method: clinical testing. Allele origin: germline.
Comment: This sequence change replaces glycine, which is neutral and non-polar, with arginine, which is basic and polar, at codon 389 of the ITGB2 protein (p.Gly389Arg). In summary, the available evidence is currently insufficient to determine the role of this variant in disease. Therefore, it has been classified as a Variant of Uncertain Significance. Algorithms developed to predict the effect of missense changes on protein structure and function output the following: SIFT: "Tolerated"; PolyPhen-2: "Benign"; Align-GVGD: "Class C0". The arginine amino acid residue is found in multiple mammalian species, which suggests that this missense change does not adversely affect protein function. ClinVar contains an entry for this variant (Variation ID: 648302). This variant has not been reported in the literature in individuals affected with ITGB2-related conditions. This variant is present in population databases (rs372510204, gnomAD 0.003%).

NM_000211.5(ITGB2):c.1165G>A (p.Gly389Arg)

Gene: ITGB2 (integrin subunit beta 2; minus strand). Cytogenetic location: 21q22.3.
Variant type: single nucleotide variant.
Coding change: c.1165G>A on transcript NM_000211.5 (MANE Select); coding-DNA position 1165, G replaced by A.
Protein change: p.Gly389Arg; replaces glycine 389 with arginine.
Molecular consequence: missense variant.
Genome position (GRCh38, 1-based): chr21:44,893,463, C>T on the plus strand (G>A on the coding strand, the complement: ITGB2 is on the minus strand). VCF-style: chr21-44893463-C-T. GRCh37 (hg19) VCF-style: chr21-46313378-C-T.
Other names: c.1165G>A, p.Gly389Arg (NM_001127491.3); c.958G>A, p.Gly320Arg (NM_001303238.2); short protein forms G320R, G389R.
Identifiers: ClinVar variation 648302 (VCV000648302.8), dbSNP rs372510204, ClinGen allele CA10062912.
Genomic context (GRCh38, chr21:44,893,463, plus strand): 5'-CCGGGACATTGATCTGCACGCCATCACAGTCACCTCTGGGCTGGTTCCTGTGCGTCACTC[C>T]ATTGCTGCAGAAGGAGTCGTAGGTGACTTTCAGGGTGTCGGGGAGGGCGTTGTGATCCAG-3'
Protein context (NP_000202.3, residues 379-399): KVTYDSFCSN[Gly389Arg]VTHRNQPRGD